The following is an entry in ClinVar:

NM_017654.4(SAMD9):c.4384A>C (p.Asn1462His)

Gene: SAMD9 (sterile alpha motif domain containing 9; minus strand). Cytogenetic location: 7q21.2.
Variant type: single nucleotide variant.
Coding change: c.4384A>C on transcript NM_017654.4 (MANE Select); coding-DNA position 4384, A replaced by C.
Protein change: p.Asn1462His; replaces asparagine 1462 with histidine.
Molecular consequence: missense variant.
Genome position (GRCh38, 1-based): chr7:93,101,714, T>G on the plus strand (A>C on the coding strand, the complement: SAMD9 is on the minus strand). VCF-style: chr7-93101714-T-G. GRCh37 (hg19) VCF-style: chr7-92731027-T-G.
Other names: c.4384A>C, p.Asn1462His (NM_001193307.2); short protein forms N1462H.
Identifiers: ClinVar variation 4863788 (VCV004863788.1).

ClinVar aggregate classification (germline): Uncertain significance (1 of 4 stars; one submission).

Conditions:
Inborn genetic diseases. Identifiers: MedGen C0950123, MeSH D030342.

Submission:

Ambry Genetics
Classification: Uncertain significance for Inborn genetic diseases. Last evaluated: 2026-03-30. Review status: criteria provided, single submitter. Criteria: Ambry Variant Classification Scheme 2023. Collection method: clinical testing. Allele origin: germline.
Comment: The p.N1462H variant (also known as c.4384A>C), located in coding exon 1 of the SAMD9 gene, results from an A to C substitution at nucleotide position 4384. The asparagine at codon 1462 is replaced by histidine, an amino acid with similar properties. This amino acid position is conserved. In addition, this alteration is predicted to be tolerated by in silico analysis. Based on the available evidence, the clinical significance of this variant remains unclear.